The following is an entry in ClinVar:

NM_000135.4(FANCA):c.668C>T (p.Ala223Val)

Gene: FANCA (FA complementation group A; minus strand). Cytogenetic location: 16q24.3.
Variant type: single nucleotide variant.
Coding change: c.668C>T on transcript NM_000135.4 (MANE Select); coding-DNA position 668, C replaced by T.
Protein change: p.Ala223Val; replaces alanine 223 with valine.
Molecular consequence: missense variant.
Genome position (GRCh38, 1-based): chr16:89,805,321, G>A on the plus strand (C>T on the coding strand, the complement: FANCA is on the minus strand). VCF-style: chr16-89805321-G-A. GRCh37 (hg19) VCF-style: chr16-89871729-G-A.
Other names: c.668C>T, p.Ala223Val (NM_001018112.3, NM_001286167.3); c.572C>T, p.Ala191Val (NM_001351830.2); short protein forms A191V, A223V.
Identifiers: ClinVar variation 1063104 (VCV001063104.9), dbSNP rs749362808, ClinGen allele CA8252861.

ClinVar aggregate classification (germline): Uncertain significance. Review status: criteria provided, multiple submitters, no conflicts (2 of 4 stars). 2 submissions from 2 submitters: Uncertain significance (2). Last evaluated 2021-08-26.

Conditions:
Fanconi anemia (FA). Also called: Fanconi's anemia. Identifiers: Orphanet 84, MedGen C0015625, MeSH D005199, MONDO:0019391.

Allele frequency attached by ClinVar (database versions not stated): gnomAD exomes below 0.00001; TOPMed below 0.00001; ExAC 0.00001.
gnomAD v4.1: 2 of 1,614,058 alleles (0.00012%); highest among the groups gnomAD compares: Non-Finnish European, 0.00017%; no homozygotes.

Submissions (2):

Labcorp Genetics (formerly Invitae), Labcorp
Classification: Uncertain significance for Fanconi anemia. Last evaluated: 2021-08-26. Review status: criteria provided, single submitter. Criteria: Invitae Variant Classification Sherloc (09022015). Collection method: clinical testing. Allele origin: germline.
Comment: This sequence change replaces alanine with valine at codon 223 of the FANCA protein (p.Ala223Val). The alanine residue is weakly conserved and there is a small physicochemical difference between alanine and valine. This variant is present in population databases (rs749362808, ExAC 0.002%). This variant has not been reported in the literature in individuals affected with FANCA-related conditions. Advanced modeling of protein sequence and biophysical properties (such as structural, functional, and spatial information, amino acid conservation, physicochemical variation, residue mobility, and thermodynamic stability) performed at Invitae indicates that this missense variant is not expected to disrupt FANCA protein function. In summary, the available evidence is currently insufficient to determine the role of this variant in disease. Therefore, it has been classified as a Variant of Uncertain Significance.

Genetic Services Laboratory, University of Chicago
Classification: Uncertain significance. Last evaluated: 2020-02-05. Review status: criteria provided, single submitter. Criteria: ACMG Guidelines, 2015. Collection method: clinical testing. Allele origin: germline. Affected: no.
Comment: DNA sequence analysis of the FANCA gene demonstrated a sequence change, c.668C>T, in exon 7 that results in an amino acid change, p.Ala223Val. This sequence change does not appear to have been previously described in patients with FANCA-related disorders and has been described in the gnomAD database in one individual (dbSNP rs749362808). The p.Ala223Val change affects a poorly conserved amino acid residue located in a domain of the FANCA protein that is not known to be functional. The p.Ala223Val substitution appears to be benign using several in-silico pathogenicity prediction tools (SIFT, PolyPhen2, Align GVGD, REVEL). Due to the lack of functional studies, the clinical significance of the p.Ala223Val change remains unknown at this time.